The following is an entry in ClinVar:

ClinVar aggregate classification (germline): Likely pathogenic. Review status: criteria provided, multiple submitters, no conflicts (2 of 4 stars). 2 submissions from 2 submitters: Likely pathogenic (2). Last evaluated 2024-09-29.

Conditions:
Osteogenesis imperfecta type I (OI1). Also called: Lobstein disease; OI, TYPE I; OSTEOGENESIS IMPERFECTA TARDA; OSTEOGENESIS IMPERFECTA WITH BLUE SCLERAE; Lobstein's Disease; Osteogenesis imperfecta type 1. Identifiers: Orphanet 216796, Orphanet 666, MedGen C0023931, MONDO:0008146, OMIM 166200. Disease mechanism: loss of function.

Submissions (2):

Labcorp Genetics (formerly Invitae), Labcorp
Classification: Likely pathogenic for Osteogenesis imperfecta type I. Last evaluated: 2024-09-29. Review status: criteria provided, single submitter. Criteria: Invitae Variant Classification Sherloc (09022015). Collection method: clinical testing. Allele origin: germline.
Comment: This sequence change replaces glycine, which is neutral and non-polar, with alanine, which is neutral and non-polar, at codon 572 of the COL1A1 protein (p.Gly572Ala). This variant is not present in population databases (gnomAD no frequency). This missense change has been observed in individual(s) with clinical features of COL1A1-related conditions (internal data). ClinVar contains an entry for this variant (Variation ID: 811430). Invitae Evidence Modeling of protein sequence and biophysical properties (such as structural, functional, and spatial information, amino acid conservation, physicochemical variation, residue mobility, and thermodynamic stability) indicates that this missense variant is expected to disrupt COL1A1 protein function with a positive predictive value of 95%. This variant disrupts the triple helix domain of COL1A1. Glycine residues within the Gly-Xaa-Yaa repeats of the triple helix domain are required for the structure and stability of fibrillar collagens (PMID: 7695699, 8218237, 19344236). In COL1A1, variants affecting these glycine residues are significantly enriched in individuals with disease (PMID: 9016532, 17078022) compared to the general population (ExAC). This variant disrupts the p.Gly572 amino acid residue in COL1A1. Other variant(s) that disrupt this residue have been observed in individuals with COL1A1-related conditions (PMID: 30886339; internal data), which suggests that this may be a clinically significant amino acid residue. In summary, the currently available evidence indicates that the variant is pathogenic, but additional data are needed to prove that conclusively. Therefore, this variant has been classified as Likely Pathogenic.

ARUP Laboratories, Molecular Genetics and Genomics, ARUP Laboratories
Classification: Likely pathogenic. Last evaluated: 2019-05-27. Review status: criteria provided, single submitter. Criteria: ARUP Molecular Germline Variant Investigation Process. Collection method: clinical testing. Allele origin: germline.
Comment: The COL1A1 c.1715G>C; p.Gly572Ala variant, to our knowledge, has not been described in the medical literature or in gene-specific databases. It is also absent from general population databases (Exome Variant Server and Genome Aggregation Database), indicating it is not a common polymorphism. This variant disrupts the repeating Gly-X-Y sequence motif of the collagen triple helix and is predicted to impair collagen function (Ben Amor 2011). Additionally, several other surrounding glycine substitutions in this exon have been reported in individuals affected with osteogenesis imperfect types II and IV and are considered pathogenic (Marini 2007). Based on available information, the p.Gly572Ala variant is considered likely pathogenic. REFERENCES Ben Amor I et al. Genotype-phenotype correlations in autosomal dominant osteogenesis imperfecta. J Osteoporos. 2011; 2011:540178. Marini J et al. Consortium for osteogenesis imperfecta mutations in the helical domain of type I collagen: regions rich in lethal mutations align with collagen binding sites for integrins and proteoglycans. Hum Mutat. 2007 Mar;28(3):209-21.

Literature cited by the submitters: PubMed 7695699 (cited by Labcorp Genetics (formerly Invitae), Labcorp); PubMed 8218237 (cited by Labcorp Genetics (formerly Invitae), Labcorp); PubMed 19344236 (cited by Labcorp Genetics (formerly Invitae), Labcorp); PubMed 9016532 (cited by Labcorp Genetics (formerly Invitae), Labcorp); PubMed 17078022 (cited by Labcorp Genetics (formerly Invitae), Labcorp); PubMed 30886339 (cited by Labcorp Genetics (formerly Invitae), Labcorp).

NM_000088.4(COL1A1):c.1715G>C (p.Gly572Ala)

Gene: COL1A1 (collagen type I alpha 1 chain; minus strand). Cytogenetic location: 17q21.33.
Variant type: single nucleotide variant.
Coding change: c.1715G>C on transcript NM_000088.4 (MANE Select); coding-DNA position 1715, G replaced by C.
Protein change: p.Gly572Ala; replaces glycine 572 with alanine.
Molecular consequence: missense variant.
Genome position (GRCh38, 1-based): chr17:50,193,995, C>G on the plus strand (G>C on the coding strand, the complement: COL1A1 is on the minus strand). VCF-style: chr17-50193995-C-G. GRCh37 (hg19) VCF-style: chr17-48271356-C-G.
Other names: short protein forms G572A.
Identifiers: ClinVar variation 811430 (VCV000811430.10), dbSNP rs1598295066, ClinGen allele CA400215378.